The following is an entry in ClinVar:

ClinVar aggregate classification (germline): Pathogenic (1 of 4 stars; one submission).

Submission:

Labcorp Genetics (formerly Invitae), Labcorp
Classification: Pathogenic. Last evaluated: 2024-08-20. Review status: criteria provided, single submitter. Criteria: Invitae Variant Classification Sherloc (09022015). Collection method: clinical testing. Allele origin: germline.
Comment: This variant, c.2264_2266del, results in the deletion of 1 amino acid(s) of the ABCA4 protein (p.Phe755del), but otherwise preserves the integrity of the reading frame. This variant is not present in population databases (gnomAD no frequency). This variant has not been reported in the literature in individuals affected with ABCA4-related conditions. This variant disrupts a region of the ABCA4 protein in which other variant(s) (p.Phe755Leu) have been determined to be pathogenic (PMID: 28559085). This suggests that this is a clinically significant region of the protein, and that variants that disrupt it are likely to be disease-causing. For these reasons, this variant has been classified as Pathogenic.

Literature cited by the submitters: PubMed 28559085.

NM_000350.3(ABCA4):c.2261TCT[1] (p.Phe755del)

Gene: ABCA4 (ATP binding cassette subfamily A member 4; minus strand). Cytogenetic location: 1p22.1.
Variant type: Microsatellite.
Coding change: c.2261TCT[1] on transcript NM_000350.3 (MANE Select); one copy of the 3-base unit TCT starting at c.2261; the reference has two copies in a row; one copy, 3 bases deleted.
Protein change: p.Phe755del; deletes phenylalanine 755.
Molecular consequence: intron variant (on NM_001425324.1).
Genome position (GRCh38, 1-based): chr1:94,056,717-94,056,719, AGA deleted on the plus strand (TCT on the coding strand, the reverse complement: ABCA4 is on the minus strand); deleting any 3 consecutive bases within chr1:94,056,717-94,056,724 gives the same sequence; the position shown is the placement nearest the transcript's 3' end. VCF-style (leftmost placement, unchanged base first): chr1-94056716-GAGA-G. GRCh37 (hg19) VCF-style: chr1-94522272-GAGA-G.
Other names: c.2161-1404_2161-1402del (NM_001425324.1); short protein forms F755del.
Identifiers: ClinVar variation 3662936 (VCV003662936.2).